The following is an entry in ClinVar:

ClinVar aggregate classification (germline): Likely pathogenic (1 of 4 stars; one submission).

Conditions:
Familial hypokalemia-hypomagnesemia (GTLMNS). Also called: POTASSIUM AND MAGNESIUM DEPLETION; HYPOMAGNESEMIA-HYPOKALEMIA, PRIMARY RENOTUBULAR, WITH HYPOCALCIURIA; gitelman syndrome. Identifiers: Orphanet 358, MedGen C0268450, MONDO:0009904, OMIM 263800.

Submission:

Natera, Inc.
Classification: Likely pathogenic for Gitelman syndrome. Last evaluated: 2025-12-24. Review status: criteria provided, single submitter. Criteria: Natera Variant Classification Schema (03/2026). Collection method: clinical testing. Allele origin: germline.
Comment: The c.2191G>C variant in SLC12A3 is a missense variant predicted to cause substitution of glycine to arginine at amino acid 731. This variant is rare in the general population with a frequency below the threshold expected for the associated phenotype(s). Another variant at this same site results in an alteration predicted to cause a similar molecular effect has been observed in individual(s) with the associated phenotype. Computational prediction algorithms indicate this variant is likely to affect gene or protein function. Given the available evidence, this variant is classified as Likely Pathogenic.

NM_001126108.2(SLC12A3):c.2191G>C (p.Gly731Arg)

Gene: SLC12A3 (solute carrier family 12 member 3; plus strand). Cytogenetic location: 16q13.
Variant type: single nucleotide variant.
Coding change: c.2191G>C on transcript NM_001126108.2 (MANE Select); coding-DNA position 2191, G replaced by C.
Protein change: p.Gly731Arg; replaces glycine 731 with arginine.
Molecular consequence: missense variant.
Genome position (GRCh38, 1-based): chr16:56,887,937, G>C. VCF-style: chr16-56887937-G-C. GRCh37 (hg19) VCF-style: chr16-56921849-G-C.
Other names: c.2191G>C, p.Gly731Arg (NM_000339.3); c.2188G>C, p.Gly730Arg (NM_001126107.2, NM_001410896.1); short protein forms G730R, G731R.
Identifiers: ClinVar variation 4818201 (VCV004818201.1).